The following is an entry in ClinVar:

NM_001354604.2(MITF):c.1043G>A (p.Trp348Ter)

Gene: MITF (melanocyte inducing transcription factor; plus strand). Cytogenetic location: 3p13.
Variant type: single nucleotide variant.
Coding change: c.1043G>A on transcript NM_001354604.2 (MANE Select); coding-DNA position 1043, G replaced by A.
Protein change: p.Trp348Ter; replaces tryptophan 348 with a stop codon.
Molecular consequence: nonsense.
Genome position (GRCh38, 1-based): chr3:69,959,284, G>A. VCF-style: chr3-69959284-G-A. GRCh37 (hg19) VCF-style: chr3-70008435-G-A.
Other names: c.722G>A, p.Trp241Ter (NM_000248.4); c.869G>A, p.Trp290Ter (NM_001184967.2, NM_001354608.2); c.1040G>A, p.Trp347Ter (NM_001354605.2); c.1022G>A, p.Trp341Ter (NM_001354606.2, NM_006722.3); c.974G>A, p.Trp325Ter (NM_001354607.2); c.704G>A, p.Trp235Ter (NM_198158.3); c.1025G>A, p.Trp342Ter (NM_198159.3); c.977G>A, p.Trp326Ter (NM_198177.3); and 1 more; short protein forms W241*, W342*, W325*, W341*, W347*, W290*, W348*, W179*.
Identifiers: ClinVar variation 228362 (VCV000228362.4), dbSNP rs876657698, ClinGen allele CA10576633.
Genomic context (GRCh38, chr3:69,959,284, plus strand): 5'-TTGAGCCTCAAATCCTAAAAATATCTGTTTTCCTCCATTTTCATCGCAGAGACATGCGCT[G>A]GAACAAGGGAACCATCTTAAAAGCATCCGTGGACTATATCCGAAAGTTGCAACGAGAACA-3'

ClinVar aggregate classification (germline): Pathogenic (1 of 4 stars; one submission).

Conditions:
Rare genetic deafness. Identifiers: Orphanet 96210, MedGen C5680250.

Submission:

Laboratory for Molecular Medicine, Mass General Brigham Personalized Medicine
Classification: Pathogenic for Rare genetic deafness. Last evaluated: 2016-06-21. Review status: criteria provided, single submitter. Criteria: LMM Criteria. Collection method: clinical testing. Allele origin: germline. Observed: 3 variant alleles.
Comment: It has not been identified in large population studies. Th is nonsense variant leads to a premature termination codon at position 342, whic h is predicted to lead to a truncated or absent protein. Heterozygous loss-of-fu nction variants in the MITF gene are well described in individuals with Waardenb urg syndrome. In summary, this variant meets our criteria to be classified as p athogenic based on segregation with disease, consistent clinical features, extre mely low frequency in the general population, and predicted impact on the protei n.